The following is an entry in ClinVar:

ClinVar aggregate classification (germline): Likely benign (1 of 4 stars; one submission).

Allele frequency attached by ClinVar (database versions not stated): 1000 Genomes Project 30x 0.00062; 1000 Genomes Project 0.00080; TOPMed 0.00091; ESP Exome Variant Server 0.00108; ExAC 0.00136; gnomAD 0.00160; gnomAD exomes 0.00203.
gnomAD v4.1: 3,156 of 1,587,914 alleles (0.2%); highest among the groups gnomAD compares: Non-Finnish European, 0.22%; 7 homozygotes.

Submission:

CeGaT Center for Human Genetics Tuebingen
Classification: Likely benign. Last evaluated: 2024-08-01. Review status: criteria provided, single submitter. Criteria: CeGaT Center For Human Genetics Tuebingen Variant Classification Criteria Version 2. Collection method: clinical testing. Allele origin: germline. Affected: yes. Observed: 2 variant alleles.
Comment: CD109: BP4, BS2

NM_133493.5(CD109):c.3887A>G (p.His1296Arg)

Gene: CD109 (CD109 molecule; plus strand). Cytogenetic location: 6q13.
Variant type: single nucleotide variant.
Coding change: c.3887A>G on transcript NM_133493.5 (MANE Select); coding-DNA position 3887, A replaced by G.
Protein change: p.His1296Arg; replaces histidine 1296 with arginine.
Molecular consequence: missense variant.
Genome position (GRCh38, 1-based): chr6:73,815,099, A>G. VCF-style: chr6-73815099-A-G. GRCh37 (hg19) VCF-style: chr6-74524822-A-G.
Other names: c.3836A>G, p.His1279Arg (NM_001159587.3); c.3656A>G, p.His1219Arg (NM_001159588.3); short protein forms H1219R, H1279R, H1296R.
Identifiers: ClinVar variation 2656703 (VCV002656703.24), dbSNP rs13207595, ClinGen allele CA3891800.